The following is an entry in ClinVar:

ClinVar aggregate classification (germline): Uncertain significance. Review status: criteria provided, multiple submitters, no conflicts (2 of 4 stars). 2 submissions from 2 submitters: Uncertain significance (2). Last evaluated 2026-05-14.

Conditions:
Hereditary cancer-predisposing syndrome. Also called: Tumor predisposition; Hereditary neoplastic syndrome; Neoplastic Syndromes, Hereditary; Hereditary Cancer Syndrome. Identifiers: Orphanet 140162, MedGen C0027672, MeSH D009386, MONDO:0015356.
Cardiovascular phenotype. Identifiers: MedGen CN230736.
Neurofibromatosis, type 1 (NF1). Also called: Neurofibromatosis, type I; Peripheral type neurofibromatosis; VON RECKLINGHAUSEN DISEASE; NEUROFIBROMATOSIS, TYPE I, SOMATIC. Identifiers: Orphanet 636, MedGen C0027831, MONDO:0018975, OMIM 162200. Disease mechanism: loss of function.

Submissions (2):

Ambry Genetics
Classification: Uncertain significance for Cardiovascular phenotype; Hereditary cancer-predisposing syndrome. Last evaluated: 2026-05-14. Review status: criteria provided, single submitter. Criteria: Ambry Variant Classification Scheme 2023. Collection method: clinical testing. Allele origin: germline.
Comment: The p.F250S variant (also known as c.749T>C), located in coding exon 8 of the NF1 gene, results from a T to C substitution at nucleotide position 749. The phenylalanine at codon 250 is replaced by serine, an amino acid with highly dissimilar properties. This amino acid position is conserved. In addition, this alteration is predicted to be deleterious by in silico analysis. Based on the available evidence, the clinical significance of this variant remains unclear.

Labcorp Genetics (formerly Invitae), Labcorp
Classification: Uncertain significance for Neurofibromatosis, type 1. Last evaluated: 2025-03-09. Review status: criteria provided, single submitter. Criteria: Invitae Variant Classification Sherloc (09022015). Collection method: clinical testing. Allele origin: germline.
Comment: This sequence change replaces phenylalanine, which is neutral and non-polar, with serine, which is neutral and polar, at codon 250 of the NF1 protein (p.Phe250Ser). This variant is not present in population databases (gnomAD no frequency). This variant has not been reported in the literature in individuals affected with NF1-related conditions. ClinVar contains an entry for this variant (Variation ID: 2752925). Invitae Evidence Modeling of protein sequence and biophysical properties (such as structural, functional, and spatial information, amino acid conservation, physicochemical variation, residue mobility, and thermodynamic stability) indicates that this missense variant is expected to disrupt NF1 protein function with a positive predictive value of 95%. In summary, the available evidence is currently insufficient to determine the role of this variant in disease. Therefore, it has been classified as a Variant of Uncertain Significance.

NM_001042492.3(NF1):c.749T>C (p.Phe250Ser)

Gene: NF1 (neurofibromin 1; plus strand). Cytogenetic location: 17q11.2.
Variant type: single nucleotide variant.
Coding change: c.749T>C on transcript NM_001042492.3 (MANE Select); coding-DNA position 749, T replaced by C.
Protein change: p.Phe250Ser; replaces phenylalanine 250 with serine.
Molecular consequence: missense variant.
Genome position (GRCh38, 1-based): chr17:31,182,526, T>C. VCF-style: chr17-31182526-T-C. GRCh37 (hg19) VCF-style: chr17-29509544-T-C.
Other names: c.749T>C, p.Phe250Ser (NM_000267.4, NM_001128147.3); short protein forms F250S.
Identifiers: ClinVar variation 2752925 (VCV002752925.4), dbSNP rs2544753202, ClinGen allele CA398990592.